The following is an entry in ClinVar:

ClinVar aggregate classification (germline): Uncertain significance (1 of 4 stars; one submission).

Conditions:
Intellectual developmental disorder, X-linked 1. Also called: Atkin Flaitz Patil Smith syndrome; Intellectual disability, X-linked 1; MENTAL RETARDATION, X-LINKED 18; MENTAL RETARDATION, X-LINKED 78. Identifiers: Orphanet 777, MedGen C2931498, MONDO:0010656, OMIM 309530.

Allele frequency attached by ClinVar (database versions not stated): gnomAD exomes below 0.00001.
gnomAD v4.1: 1 of 1,210,947 alleles (0.000083%); highest among the groups gnomAD compares: Non-Finnish European, 0.00011%; no homozygotes.

Submission:

Labcorp Genetics (formerly Invitae), Labcorp
Classification: Uncertain significance for Intellectual developmental disorder, X-linked 1. Last evaluated: 2022-02-03. Review status: criteria provided, single submitter. Criteria: Invitae Variant Classification Sherloc (09022015). Collection method: clinical testing. Allele origin: germline.
Comment: In summary, the available evidence is currently insufficient to determine the role of this variant in disease. Therefore, it has been classified as a Variant of Uncertain Significance. Algorithms developed to predict the effect of missense changes on protein structure and function are either unavailable or do not agree on the potential impact of this missense change (SIFT: "Deleterious"; PolyPhen-2: "Probably Damaging"; Align-GVGD: "Class C15"). This variant has not been reported in the literature in individuals affected with IQSEC2-related conditions. This variant is not present in population databases (gnomAD no frequency). This sequence change replaces arginine, which is basic and polar, with tryptophan, which is neutral and slightly polar, at codon 795 of the IQSEC2 protein (p.Arg795Trp).

NM_001111125.3(IQSEC2):c.2383C>T (p.Arg795Trp)

Gene: IQSEC2 (IQ motif and Sec7 domain ArfGEF 2; minus strand). Cytogenetic location: Xp11.22.
Variant type: single nucleotide variant.
Coding change: c.2383C>T on transcript NM_001111125.3 (MANE Select); coding-DNA position 2383, C replaced by T.
Protein change: p.Arg795Trp; replaces arginine 795 with tryptophan.
Molecular consequence: missense variant.
Genome position (GRCh38, 1-based): chrX:53,248,797, G>A on the plus strand (C>T on the coding strand, the complement: IQSEC2 is on the minus strand). VCF-style: chrX-53248797-G-A. GRCh37 (hg19) VCF-style: chrX-53277979-G-A.
Other names: c.2383C>T, p.Arg795Trp (NM_001410736.1); c.1768C>T, p.Arg590Trp (NM_015075.2); short protein forms R590W, R795W.
Identifiers: ClinVar variation 2092260 (VCV002092260.4), dbSNP rs2519786827, ClinGen allele CA413158221.